The following is an entry in ClinVar:

ClinVar aggregate classification (germline): Uncertain significance (1 of 4 stars; one submission).

Conditions:
Long QT syndrome (LQTS). Identifiers: MedGen C0023976, MeSH D008133, MONDO:0002442. Disease mechanism: loss of function. Inheritance: Various modes of inheritance.

Submission:

Labcorp Genetics (formerly Invitae), Labcorp
Classification: Uncertain significance for Long QT syndrome. Last evaluated: 2024-06-09. Review status: criteria provided, single submitter. Criteria: Invitae Variant Classification Sherloc (09022015). Collection method: clinical testing. Allele origin: germline.
Comment: This sequence change replaces leucine, which is neutral and non-polar, with proline, which is neutral and non-polar, at codon 1636 of the ANK2 protein (p.Leu1636Pro). This variant is not present in population databases (gnomAD no frequency). This variant has not been reported in the literature in individuals affected with ANK2-related conditions. An algorithm developed to predict the effect of missense changes on protein structure and function (PolyPhen-2) suggests that this variant is likely to be disruptive. In summary, the available evidence is currently insufficient to determine the role of this variant in disease. Therefore, it has been classified as a Variant of Uncertain Significance.

NM_001148.6(ANK2):c.4907T>C (p.Leu1636Pro)

Gene: ANK2 (ankyrin 2; plus strand). Cytogenetic location: 4q26.
Variant type: single nucleotide variant.
Coding change: c.4907T>C on transcript NM_001148.6 (MANE Select); coding-DNA position 4907, T replaced by C.
Protein change: p.Leu1636Pro; replaces leucine 1636 with proline.
Molecular consequence: missense variant. On other transcripts: intron variant (68).
Genome position (GRCh38, 1-based): chr4:113,353,525, T>C. VCF-style: chr4-113353525-T-C. GRCh37 (hg19) VCF-style: chr4-114274681-T-C.
Other names: c.1975+3276T>C (NM_001354280.2); c.1954+3276T>C (NM_001354278.2, NM_001354281.2); c.826+3276T>C (NM_001386167.1); c.4673T>C, p.Leu1558Pro (NM_001386142.1); c.1307T>C, p.Leu436Pro (NM_001386166.1); c.5048T>C, p.Leu1683Pro (NM_001386174.1); c.5024T>C, p.Leu1675Pro (NM_001386175.1); c.4411+3276T>C (NM_001386186.2, NM_001386148.2); and 35 more; short protein forms L1636P, L1683P, L1558P, L1675P, L436P.
Identifiers: ClinVar variation 3655440 (VCV003655440.2).